The following is an entry in ClinVar:

ClinVar aggregate classification (germline): Likely pathogenic (1 of 4 stars; one submission).

Submission:

Labcorp Genetics (formerly Invitae), Labcorp
Classification: Likely pathogenic. Last evaluated: 2021-10-12. Review status: criteria provided, single submitter. Criteria: Invitae Variant Classification Sherloc (09022015). Collection method: clinical testing. Allele origin: germline.
Comment: In summary, the currently available evidence indicates that the variant is pathogenic, but additional data are needed to prove that conclusively. Therefore, this variant has been classified as Likely Pathogenic. This variant has not been reported in the literature in individuals affected with SLC4A1-related conditions. This variant results in a copy number gain of the genomic region encompassing exon(s) 17 of the SLC4A1 gene. While the exact position of this variant cannot be determined from the data, sub-genic copy number gains are generally in tandem (PMID: 25640679). This variant is predicted to be out-of-frame, and may result in an absent or disrupted protein product. Loss-of-function variants in SLC4A1 are known to be pathogenic (PMID: 8943874, 23255290).

Literature cited by the submitters: PubMed 25640679; PubMed 8943874; PubMed 23255290.

NC_000017.10:g.(?_42330466)_(42330759_?)dup

Gene: SLC4A1 (solute carrier family 4 member 1 (Diego blood group); minus strand). Cytogenetic location: 17q21.31.
Variant type: Duplication.
Identifiers: ClinVar variation 1496390 (VCV001496390.4).